The following is an entry in ClinVar:

NM_002185.5(IL7R):c.230del (p.Leu77fs)

Gene: IL7R (interleukin 7 receptor; plus strand). Cytogenetic location: 5p13.2.
Variant type: Deletion.
Coding change: c.230del on transcript NM_002185.5 (MANE Select); coding-DNA position 230, one base deleted (T; older notation c.230delT).
Protein change: p.Leu77fs; shifts the reading frame from leucine 77.
Molecular consequence: frameshift variant. On other transcripts: non-coding transcript variant (1).
Genome position (GRCh38, 1-based): chr5:35,867,314, T deleted. VCF-style (leftmost placement, unchanged base first): chr5-35867313-CT-C. GRCh37 (hg19) VCF-style: chr5-35867415-CT-C.
Other names: short protein forms L77fs.
Identifiers: ClinVar variation 817844 (VCV000817844.1), dbSNP rs766399441, ClinGen allele CA3231891.

ClinVar aggregate classification (germline): Pathogenic (1 of 4 stars; one submission).

Allele frequency attached by ClinVar (database versions not stated): gnomAD exomes below 0.00001; ExAC 0.00001.

Submission:

GeneDx
Classification: Pathogenic. Last evaluated: 2018-10-01. Review status: criteria provided, single submitter. Criteria: GeneDx Variant Classification (06012015). Collection method: clinical testing. Allele origin: germline. Affected: yes.
Comment: The c.230delT variant has not been published as a pathogenic variant, nor has it been reported as a benign variant to our knowledge. The variant is not observed at a significant frequency in large population cohorts (Lek et al., 2016). It causes a frameshift starting with codon Leucine 77, changes this amino acid to a Proline residue and creates a premature Stop codon at position 4 of the new reading frame, denoted p.Leu77ProfsX4. This variant is predicted to cause loss of normal protein function either through protein truncation or nonsense-mediated mRNA decay. We consider this variant to be pathogenic.